The following is an entry in ClinVar:

NM_004990.4(MARS1):c.1967+3A>G

Gene: MARS1 (methionyl-tRNA synthetase 1; plus strand). Cytogenetic location: 12q13.3.
Variant type: single nucleotide variant.
Coding change: c.1967+3A>G on transcript NM_004990.4 (MANE Select); 3 bases into the intron after coding-DNA position 1967, A replaced by G.
Molecular consequence: intron variant.
Genome position (GRCh38, 1-based): chr12:57,512,967, A>G. VCF-style: chr12-57512967-A-G. GRCh37 (hg19) VCF-style: chr12-57906750-A-G.
Identifiers: ClinVar variation 935820 (VCV000935820.9), dbSNP rs183042263, ClinGen allele CA6650654.

ClinVar aggregate classification (germline): Uncertain significance. Review status: criteria provided, multiple submitters, no conflicts (2 of 4 stars). 2 submissions from 2 submitters: Uncertain significance (2). Last evaluated 2026-01-27.

Conditions:
Severe early-onset pulmonary alveolar proteinosis due to MARS deficiency. Also called: PULMONARY ALVEOLAR PROTEINOSIS, REUNION ISLAND; Interstitial lung and liver disease. Identifiers: Orphanet 440427, MedGen C4225400, MONDO:0014206, OMIM 615486.
Charcot-Marie-Tooth disease axonal type 2U. Also called: CHARCOT-MARIE-TOOTH NEUROPATHY, TYPE 2U; CHARCOT-MARIE-TOOTH DISEASE, AXONAL, AUTOSOMAL DOMINANT, TYPE 2U. Identifiers: Orphanet 397735, MedGen C4084821, MONDO:0014566, OMIM 616280.

Allele frequency attached by ClinVar (database versions not stated): gnomAD below 0.00001 and 0.00003; gnomAD exomes 0.00001 and 0.00003; TOPMed 0.00001; ExAC 0.00003; 1000 Genomes Project 0.00040; 1000 Genomes Project 30x 0.00047.
gnomAD v4.1: 21 of 1,613,766 alleles (0.0013%); highest among the groups gnomAD compares: South Asian, 0.012%; no homozygotes.

Submissions (2):

Labcorp Genetics (formerly Invitae), Labcorp
Classification: Uncertain significance for Charcot-Marie-Tooth disease axonal type 2U; Severe early-onset pulmonary alveolar proteinosis due to MARS deficiency. Last evaluated: 2026-01-27. Review status: criteria provided, single submitter. Criteria: Invitae Variant Classification Sherloc (09022015). Collection method: clinical testing. Allele origin: germline.
Comment: This sequence change falls in intron 15 of the MARS gene. It does not directly change the encoded amino acid sequence of the MARS protein. It affects a nucleotide within the consensus splice site. This variant is present in population databases (rs183042263, gnomAD 0.02%). This variant has not been reported in the literature in individuals affected with MARS-related conditions. ClinVar contains an entry for this variant (Variation ID: 935820). Variants that disrupt the consensus splice site are a relatively common cause of aberrant splicing (PMID: 17576681, 9536098). Algorithms developed to predict the effect of sequence changes on RNA splicing suggest that this variant may create or strengthen a splice site. In summary, the available evidence is currently insufficient to determine the role of this variant in disease. Therefore, it has been classified as a Variant of Uncertain Significance.

Ambry Genetics
Classification: Uncertain significance. Last evaluated: 2023-07-18. Review status: criteria provided, single submitter. Criteria: Ambry Variant Classification Scheme 2023. Collection method: clinical testing. Allele origin: germline.
Comment: Unlikely to be causative of MARS1-related Charcot-Marie-Tooth disease, type 2 (AD) Based on insufficient or conflicting evidence, the clinical significance of this alteration remains unclear.

Literature cited by the submitters: PubMed 17576681 (cited by Labcorp Genetics (formerly Invitae), Labcorp); PubMed 9536098 (cited by Labcorp Genetics (formerly Invitae), Labcorp).